The following is an entry in ClinVar:

ClinVar aggregate classification (germline): Uncertain significance. Review status: criteria provided, multiple submitters, no conflicts (2 of 4 stars). 2 submissions from 2 submitters: Uncertain significance (2). Last evaluated 2026-05-26.

Conditions:
Inborn genetic diseases. Identifiers: MedGen C0950123, MeSH D030342.

Allele frequency attached by ClinVar (database versions not stated): TOPMed 0.00003; 1000 Genomes Project 0.00020; 1000 Genomes Project 30x 0.00031.
gnomAD v4.1: 34 of 1,551,668 alleles (0.0022%); highest among the groups gnomAD compares: Middle Eastern, 0.017%; no homozygotes.

Submissions (2):

Ambry Genetics
Classification: Uncertain significance for Inborn genetic diseases. Last evaluated: 2026-05-26. Review status: criteria provided, single submitter. Criteria: Ambry Variant Classification Scheme 2023. Collection method: clinical testing. Allele origin: germline.

Labcorp Genetics (formerly Invitae), Labcorp
Classification: Uncertain significance. Last evaluated: 2022-09-27. Review status: criteria provided, single submitter. Criteria: Invitae Variant Classification Sherloc (09022015). Collection method: clinical testing. Allele origin: germline.
Comment: This sequence change replaces arginine, which is basic and polar, with glutamine, which is neutral and polar, at codon 3224 of the CDH23 protein (p.Arg3224Gln). This variant is present in population databases (rs561307421, gnomAD 0.02%). This variant has not been reported in the literature in individuals affected with CDH23-related conditions. Advanced modeling of protein sequence and biophysical properties (such as structural, functional, and spatial information, amino acid conservation, physicochemical variation, residue mobility, and thermodynamic stability) performed at Invitae indicates that this missense variant is not expected to disrupt CDH23 protein function. Algorithms developed to predict the effect of sequence changes on RNA splicing suggest that this variant may create or strengthen a splice site. In summary, the available evidence is currently insufficient to determine the role of this variant in disease. Therefore, it has been classified as a Variant of Uncertain Significance.

NM_022124.6(CDH23):c.9671G>A (p.Arg3224Gln)

Gene: CDH23 (cadherin related 23; plus strand). Cytogenetic location: 10q22.1.
Variant type: single nucleotide variant.
Coding change: c.9671G>A on transcript NM_022124.6 (MANE Select); coding-DNA position 9671, G replaced by A.
Protein change: p.Arg3224Gln; replaces arginine 3224 with glutamine.
Molecular consequence: missense variant. On other transcripts: intron variant (2).
Genome position (GRCh38, 1-based): chr10:71,813,281, G>A. VCF-style: chr10-71813281-G-A. GRCh37 (hg19) VCF-style: chr10-73573038-G-A.
Other names: c.2951G>A, p.Arg984Gln (NM_001171933.1); c.362G>A, p.Arg121Gln (NM_001171935.1); c.2913+391G>A (NM_001171934.1); c.324+391G>A (NM_001171936.1); c.9671G>A (NM_022124.5); short protein forms R121Q, R3224Q, R984Q.
Identifiers: ClinVar variation 2166611 (VCV002166611.2), dbSNP rs561307421, ClinGen allele CA209445331.